The following is an entry in ClinVar:

NM_001134363.3(RBM20):c.529A>T (p.Thr177Ser)

Gene: RBM20 (RNA binding motif protein 20; plus strand). Cytogenetic location: 10q25.2.
Variant type: single nucleotide variant.
Coding change: c.529A>T on transcript NM_001134363.3 (MANE Select); coding-DNA position 529, A replaced by T.
Protein change: p.Thr177Ser; replaces threonine 177 with serine.
Molecular consequence: missense variant.
Genome position (GRCh38, 1-based): chr10:110,781,138, A>T. VCF-style: chr10-110781138-A-T. GRCh37 (hg19) VCF-style: chr10-112540896-A-T.
Other names: short protein forms T177S.
Identifiers: ClinVar variation 44021 (VCV000044021.31), dbSNP rs397516621, ClinGen allele CA133399.
Genomic context (GRCh38, chr10:110,781,138, plus strand): 5'-GCAGCCATACCCAGTACCCGGTTTCCCTCTAATGCAATTGCCTTTTCACCCCCCAGCCAG[A>T]CACGAGGCCCCGGACCCTCCATGAACCTTCCCAACCAGCCACCCAGTGCCATGGTGATGC-3'
Protein context (NP_001127835.2, residues 167-187): NAIAFSPPSQ[Thr177Ser]RGPGPSMNLP

ClinVar aggregate classification (germline): Conflicting classifications of pathogenicity. Review status: criteria provided, conflicting classifications (1 of 4 stars). 7 submissions from 7 submitters: Uncertain significance (2); Likely benign (4). 1 of the submissions does not count toward it. Last evaluated 2026-02-01.

Conditions:
Dilated cardiomyopathy 1DD (CMD1DD). Identifiers: Orphanet 154, MedGen C2750995, MONDO:0013168, OMIM 613172.
Cardiovascular phenotype. Identifiers: MedGen CN230736.
RBM20-related disorder. Also called: RBM20-related condition.
Cardiomyopathy (CMYO). Also called: Cardiomyopathies. Identifiers: Orphanet 167848, MedGen C0878544, MONDO:0004994, HP:0001638. Inheritance: Various modes of inheritance.

Allele frequency attached by ClinVar (database versions not stated): ExAC 0.00019; gnomAD 0.00047 and 0.00051; TOPMed 0.00053; 1000 Genomes Project 0.00080; 1000 Genomes Project 30x 0.00094.
gnomAD v4.1: 133 of 1,551,560 alleles (0.0086%); highest among the groups gnomAD compares: African/African-American, 0.15%; no homozygotes.

Submissions (7):

Labcorp Genetics (formerly Invitae), Labcorp
Classification: Likely benign for Dilated cardiomyopathy 1DD. Last evaluated: 2026-02-01. Review status: criteria provided, single submitter. Criteria: Invitae Variant Classification Sherloc (09022015). Collection method: clinical testing. Allele origin: germline.

CHEO Genetics Diagnostic Laboratory, Children's Hospital of Eastern Ontario
Classification: Likely benign for Cardiomyopathy. Last evaluated: 2023-01-31. Review status: criteria provided, single submitter. Criteria: ACMG Guidelines, 2015. Collection method: clinical testing. Allele origin: germline. Study: Canadian Open Genetics Repository.

GeneDx
Classification: Likely benign. Last evaluated: 2021-04-08. Review status: criteria provided, single submitter. Criteria: GeneDx Variant Classification Process June 2021. Collection method: clinical testing. Allele origin: germline. Affected: yes.
Comment: This variant is associated with the following publications: (PMID: 24503780)

Ambry Genetics
Classification: Likely benign for Cardiovascular phenotype. Last evaluated: 2020-10-02. Review status: criteria provided, single submitter. Criteria: Ambry Variant Classification Scheme 2023. Collection method: clinical testing. Allele origin: germline.

Laboratory for Molecular Medicine, Mass General Brigham Personalized Medicine
Classification: Uncertain significance. Last evaluated: 2017-06-07. Review status: criteria provided, single submitter. Criteria: LMM Criteria. Collection method: clinical testing. Allele origin: germline. Observed: 1 variant allele.
Comment: proposed classification - variant undergoing re-assessment, contact laboratory

Eurofins Ntd Llc (ga)
Classification: Uncertain significance. Last evaluated: 2015-07-07. Review status: criteria provided, single submitter. Criteria: EGL Classification Definitions 2015. Collection method: clinical testing. Allele origin: germline. Observed: 2 variant alleles, 2 heterozygotes.

PreventionGenetics, part of Exact Sciences
Classification: Likely benign for RBM20-related condition. Last evaluated: 2023-11-14. Review status: no assertion criteria provided. Collection method: clinical testing. Allele origin: germline. Not counted in ClinVar's aggregate classification.
Comment: This variant is classified as likely benign based on ACMG/AMP sequence variant interpretation guidelines (Richards et al. 2015 PMID: 25741868, with internal and published modifications).

Literature cited by the submitters: PubMed 24503780 (cited by Ambry Genetics and Laboratory for Molecular Medicine, Mass General Brigham Personalized Medicine).